The following continues an entry in ClinVar:

NM_000203.5(IDUA):c.1598C>G (p.Pro533Arg)

Gene: IDUA. ClinVar aggregate classification (germline): Pathogenic. Pathogenic (1).

Submissions 8 to 21 of 21:

Fulgent Genetics
Classification: Pathogenic for Hurler syndrome; Mucopolysaccharidosis, MPS-I-H/S; Mucopolysaccharidosis, MPS-I-S. Last evaluated: 2024-04-15. Review status: criteria provided, single submitter. Criteria: ACMG Guidelines, 2015. Collection method: clinical testing. Allele origin: germline. Not counted in ClinVar's aggregate classification.

Blueprint Genetics
Classification: Pathogenic for IDUA-related disorders. Last evaluated: 2024-02-22. Review status: criteria provided, single submitter. Criteria: ACMG Guidelines, 2015. Collection method: clinical testing. Allele origin: germline. Affected: yes. Observed: 5 variant alleles. Not counted in ClinVar's aggregate classification.

Ambry Genetics
Classification: Pathogenic for Inborn genetic diseases. Last evaluated: 2022-03-31. Review status: criteria provided, single submitter. Criteria: Ambry Variant Classification Scheme 2023. Collection method: clinical testing. Allele origin: germline. Not counted in ClinVar's aggregate classification.
Comment: The c.1598C>G (p.P533R) alteration is located in coding exon 11 of the IDUA gene. This alteration results from a C to G substitution at nucleotide position 1598, causing the proline (P) at amino acid position 533 to be replaced by an arginine (R). Based on data from gnomAD, the G allele has an overall frequency of 0.01% (8/157288) total alleles studied. The highest observed frequency was 0.02% (1/4962) of Other alleles. This alteration has been reported in the homozygous or compound heterozygous state in individuals with mucopolysaccharidosis type I (Scott, 1992; Laradi, 2005; Fahiminiya, 2014; Ghosh, 2017; Clarke, 2019). Patients have presented with both the attenuated and severe phenotypes (Scott, 1992; Laradi, 2005; Clarke, 2019). This variant occurs with high frequency in the Moroccan, Sicilian, and Brazilian populations (reviewed in Matte, 2003). This amino acid position is highly conserved in available vertebrate species. Functional analysis has demonstrated that the p.P533R variant significantly decreases protein activity as compared to wild type protein. Fibroblast cells lines from a patient with this alteration and a second nonsense alteration had 0.5% of normal activity, while two homozygous patients had leukocyte protein activity at 1.2% of normal (Scott, 1992; Laradi, 2005). When expressed in CHO-K1 cells, this variant produced a small amount of protein that did not appear to undergo normal processing and had 0.04% of normal protein activity (Matte, 2003). This alteration is predicted to be deleterious by in silico analysis. Based on the available evidence, this alteration is classified as pathogenic.

Breakthrough Genomics
Classification: Pathogenic for Mucopolysaccharidosis, MPS-I-S. Last evaluated: 2020-04-11. Review status: criteria provided, single submitter. Criteria: ACMG Guidelines, 2015. Collection method: clinical testing. Allele origin: germline. Affected: yes. Not counted in ClinVar's aggregate classification.
Comment: This variant was previously reported in patients diagnosed with mucopolysaccharidosis type I of different ethnicity in homozygous or compound heterozygote state [PMID: 1301941, 10911525, 21521498, 24368159, 16435195, 23786846] and reported to segregate with mucopolysaccharidosis in two families [PMID: 21521498]. Functional analysis of the variant suggested that this variant leads to a 50% reduction in the enzymatic activity of IDUA protein and confers lower thermodynamic stability compared to wild type protein [PMID: 24036510].

Broad Center for Mendelian Genomics, Broad Institute of MIT and Harvard
Classification: Pathogenic for Mucopolysaccharidosis type 1. Last evaluated: 2020-01-14. Review status: criteria provided, single submitter. Criteria: ACMG Guidelines, 2015. Collection method: curation. Allele origin: germline. Inheritance: Autosomal recessive inheritance. Not counted in ClinVar's aggregate classification.
Comment: The p.Pro533Arg variant in IDUA has been reported in at least 15 individuals with mucopolysaccharidosis (MPS), segregated with disease in 6 affected relatives from 3 families (PMID: 19748810, 27196898, 28752568) and has been Identified in 0.012% (3/24988) of Latino chromosomes and 0.006% (4/62590) of European (non-Finnish) chromosomes by the Genome Aggregation Database (gnomAD; dbSNP rs121965021). Although this variant has been seen in the general population, its frequency is low enough to be consistent with a recessive carrier frequency. This variant has also been reported in ClinVar (VariationID: 11910) as pathogenic by GeneDx, EGL Genetic Diagnostics, Fulgent Genetics, OMIM, Integrated Genetics, and GeneReviews. In vitro functional studies provide some evidence that the p.Pro533Arg variant may slightly impact protein function (PMID: 24036510). However, these types of assays may not accurately represent biological function. Computational prediction tools and conservation analyses suggest that this variant may impact the protein, though this information is not predictive enough to determine pathogenicity. The p.Pro533Arg variant is located in a region of IDUA that is essential to protein folding and stability, suggesting that this variant is in a functional domain and supports pathogenicity (PMID: 24036510). The phenotype of individuals homozygous and compound heterozygous for this variant is highly specific for MPS1 based on alpha-L-iduronidase levels being <1% of normal consistent with disease (PMID: 27196898). Additionally, the presence of this variant in at least 18 affected homozygotes and in combination with reported pathogenic variants in 2 individuals with MPS increases the likelihood that the p.Pro533Arg variant is pathogenic (VariationID: 11908, 280976; PMID: 19748810, 27196898, 28752568). In summary, this variant meets criteria to be classified as pathogenic for MPS1 in an autosomal recessive manner based on the presence of the variant in affected homozygotes and compound heterozygotes, co-segregation with disease, and the deleterious effect of the variant on protein folding and function. ACMG/AMP Criteria applied: PM3_strong, PP1_moderate, PM1, PM2_supporting, PP3, PP4, PS3_supporting (Richards 2015).

Baylor Genetics
Classification: Pathogenic for Hurler syndrome. Last evaluated: 2019-07-03. Review status: criteria provided, single submitter. Criteria: ACMG Guidelines, 2015. Collection method: clinical testing. Allele origin: unknown. Affected: yes. Not counted in ClinVar's aggregate classification.
Comment: This variant was determined to be pathogenic according to ACMG Guidelines, 2015 [PMID:25741868].

Women's Health and Genetics/Laboratory Corporation of America, LabCorp
Classification: Pathogenic for Mucopolysaccharidosis type I. Last evaluated: 2017-12-15. Review status: criteria provided, single submitter. Criteria: LabCorp Variant Classification Summary - May 2015. Collection method: clinical testing. Allele origin: germline. Not counted in ClinVar's aggregate classification.
Comment: Variant summary: The IDUA c.1598C>G (p.Pro533Arg) variant involves the alteration of a conserved nucleotide. 3/3 in silico tools predict a damaging outcome for this variant (SNPsandGO not captured due to low reliability index). This variant was found in 8/152678 control chromosomes at a frequency of 0.0000524, which does not exceed the estimated maximal expected allele frequency of a pathogenic IDUA variant (0.0026926). The variant was reported in numerous affected individuals in the literature in both the homozygous and compound heterozygous state. Homozygous patients have been reported to have undetectable IDUA activity (Chkioua_2011). In addition, multiple clinical diagnostic laboratories/reputable databases classified this variant as pathogenic. Taken together, this variant is classified as pathogenic.

Eurofins Ntd Llc (ga)
Classification: Pathogenic. Last evaluated: 2017-05-08. Review status: criteria provided, single submitter. Criteria: EGL Classification Definitions 2015. Collection method: clinical testing. Allele origin: germline. Observed: 2 variant alleles, 1 heterozygote, 1 homozygote. Not counted in ClinVar's aggregate classification.

GeneDx
Classification: Pathogenic. Last evaluated: 2016-09-28. Review status: criteria provided, single submitter. Criteria: GeneDx Variant Classification (06012015). Collection method: clinical testing. Allele origin: germline. Affected: yes. Not counted in ClinVar's aggregate classification.
Comment: The P533R variant in the IDUA gene has been reported previously in individuals with MPS I in the homozygous state or in the heterozygous state with a presumed second IDUA variant (Alif et al., 1999; Laradi et al., 2005; Fahiminiya et al., 2014). The P533R variant is not observed in large population cohorts (Lek et al., 2016; 1000 Genomes Consortium et al., 2015; Exome Variant Server). The P533R variant is a non-conservative amino acid substitution, which is likely to impact secondary protein structure as these residues differ in polarity, charge, size and/or other properties. This substitution occurs at a position that is conserved across species. Functional studies of P533R indicate that this variant leads to a 50% reduction in the enzymatic rate of IDUA and confers lower thermodynamic stability compared to wild type protein (Bie et al., 2013). A missense variant in the same residue, P533L, has been previously identified in patients with MPS I in the homozygous state and in the heterozygous state with a second IDUA variant (Voskoboeva et al., 1998; Atceken et al., 2016). Therefore, we interpret P533R as a pathogenic variant.

Counsyl
Classification: Pathogenic for Hurler syndrome. Last evaluated: 2016-12-09. Review status: no assertion criteria provided. Collection method: clinical testing. Allele origin: unknown. Not counted in ClinVar's aggregate classification.

OMIM
Classification: Pathogenic for HURLER SYNDROME. Last evaluated: 1999-01-01. Review status: no assertion criteria provided. Collection method: literature only. Allele origin: germline. Not counted in ClinVar's aggregate classification.

Clinical Genetics DNA and cytogenetics Diagnostics Lab, Erasmus MC, Erasmus Medical Center
Classification: Pathogenic. Review status: no assertion criteria provided. Collection method: clinical testing. Allele origin: germline. Affected: yes. Study: VKGL Data-share Consensus. Not counted in ClinVar's aggregate classification.

GeneReviews
No classification provided. Condition: Mucopolysaccharidosis type 1. Review status: no classification provided. Collection method: literature only. Allele origin: germline. Not counted in ClinVar's aggregate classification.
Comment: Common pathogenic variant in Italy

Joint Genome Diagnostic Labs from Nijmegen and Maastricht, Radboudumc and MUMC+
Classification: Likely pathogenic. Review status: no assertion criteria provided. Collection method: clinical testing. Allele origin: germline. Affected: yes. Study: VKGL Data-share Consensus. Not counted in ClinVar's aggregate classification.

Literature cited by the submitters: PubMed 1301941 (cited by 4 submitters); PubMed 10911525 (cited by Labcorp Genetics (formerly Invitae), Labcorp); PubMed 16435195 (cited by Labcorp Genetics (formerly Invitae), Labcorp and Ambry Genetics); PubMed 21521498 (cited by Labcorp Genetics (formerly Invitae), Labcorp); PubMed 23786846 (cited by Labcorp Genetics (formerly Invitae), Labcorp); PubMed 24368159 (cited by Labcorp Genetics (formerly Invitae), Labcorp); PubMed 24036510 (cited by Labcorp Genetics (formerly Invitae), Labcorp and Broad Center for Mendelian Genomics, Broad Institute of MIT and Harvard); PubMed 22074387 (cited by Natera, Inc. and Counsyl); PubMed 28752568 (cited by 3 submitters); PubMed 9787109 (cited by 3billion); PubMed 1301196 (cited by Ambry Genetics); PubMed 11735025 (cited by Ambry Genetics); PubMed 12559846 (cited by Ambry Genetics); PubMed 24102521 (cited by Ambry Genetics); PubMed 31194252 (cited by Ambry Genetics); PubMed 27196898 (cited by Broad Center for Mendelian Genomics, Broad Institute of MIT and Harvard); PubMed 19748810 (cited by Broad Center for Mendelian Genomics, Broad Institute of MIT and Harvard); PubMed 21639919 (cited by Women's Health and Genetics/Laboratory Corporation of America, LabCorp); PubMed 21394825 (cited by Women's Health and Genetics/Laboratory Corporation of America, LabCorp and Counsyl); PubMed 10738517 (cited by Counsyl and OMIM); NCBI Bookshelf NBK1162 (cited by GeneReviews).